The following is an entry in ClinVar:

ClinVar aggregate classification (germline): Conflicting classifications of pathogenicity. Review status: criteria provided, conflicting classifications (1 of 4 stars). 3 submissions from 3 submitters: Uncertain significance (2); Likely benign (1). Last evaluated 2026-04-29.

Conditions:
Hereditary cancer-predisposing syndrome. Also called: Hereditary neoplastic syndrome; Neoplastic Syndromes, Hereditary; Tumor predisposition; Hereditary Cancer Syndrome. Identifiers: Orphanet 140162, MedGen C0027672, MeSH D009386, MONDO:0015356.
Peutz-Jeghers syndrome (PJS). Also called: POLYPOSIS, HAMARTOMATOUS INTESTINAL; POLYPS-AND-SPOTS SYNDROME; Peutz-Jeghers polyposis; Periorificial lentiginosis syndrome. Identifiers: Orphanet 2869, MedGen C0031269, MeSH D010580, MONDO:0008280, OMIM 175200.

Submissions (3):

Ambry Genetics
Classification: Likely benign for Hereditary cancer-predisposing syndrome. Last evaluated: 2026-04-29. Review status: criteria provided, single submitter. Criteria: Ambry Variant Classification Scheme 2023. Collection method: clinical testing. Allele origin: germline.

Color Diagnostics, LLC DBA Color Health
Classification: Uncertain significance for Hereditary cancer-predisposing syndrome. Last evaluated: 2025-04-28. Review status: criteria provided, single submitter. Criteria: ACMG Guidelines, 2015. Collection method: clinical testing. Allele origin: germline.
Comment: This missense variant replaces asparagine with lysine at codon 380 of the STK11 protein. Computational prediction suggests that this variant may not impact protein structure and function. To our knowledge, functional studies have not been reported for this variant. This variant has not been reported in individuals affected with STK11-related disorders in the literature. This variant has not been identified in the general population by the Genome Aggregation Database (gnomAD). The available evidence is insufficient to determine the role of this variant in disease conclusively. Therefore, this variant is classified as a Variant of Uncertain Significance.

Labcorp Genetics (formerly Invitae), Labcorp
Classification: Uncertain significance for Peutz-Jeghers syndrome. Last evaluated: 2021-08-26. Review status: criteria provided, single submitter. Criteria: Invitae Variant Classification Sherloc (09022015). Collection method: clinical testing. Allele origin: germline.
Comment: This sequence change replaces asparagine with lysine at codon 380 of the STK11 protein (p.Asn380Lys). The asparagine residue is moderately conserved and there is a moderate physicochemical difference between asparagine and lysine. This variant is not present in population databases (ExAC no frequency). This variant has not been reported in the literature in individuals affected with STK11-related conditions. Algorithms developed to predict the effect of missense changes on protein structure and function (SIFT, PolyPhen-2, Align-GVGD) all suggest that this variant is likely to be tolerated. In summary, the available evidence is currently insufficient to determine the role of this variant in disease. Therefore, it has been classified as a Variant of Uncertain Significance.

NM_000455.5(STK11):c.1140T>G (p.Asn380Lys)

Gene: STK11 (serine/threonine kinase 11; plus strand). Cytogenetic location: 19p13.3.
Variant type: single nucleotide variant.
Coding change: c.1140T>G on transcript NM_000455.5 (MANE Select); coding-DNA position 1140, T replaced by G.
Protein change: p.Asn380Lys; replaces asparagine 380 with lysine.
Molecular consequence: missense variant.
Genome position (GRCh38, 1-based): chr19:1,226,485, T>G. VCF-style: chr19-1226485-T-G. GRCh37 (hg19) VCF-style: chr19-1226484-T-G.
Other names: short protein forms N380K.
Identifiers: ClinVar variation 1026896 (VCV001026896.10), dbSNP rs1057521658, ClinGen allele CA402953290.